The following is an entry in ClinVar:

NM_003401.5(XRCC4):c.322C>T (p.Leu108Phe)

Gene: XRCC4 (X-ray repair cross complementing 4; plus strand). Cytogenetic location: 5q14.2.
Variant type: single nucleotide variant.
Coding change: c.322C>T on transcript NM_003401.5 (MANE Select); coding-DNA position 322, C replaced by T.
Protein change: p.Leu108Phe; replaces leucine 108 with phenylalanine.
Molecular consequence: missense variant.
Genome position (GRCh38, 1-based): chr5:83,195,776, C>T. VCF-style: chr5-83195776-C-T. GRCh37 (hg19) VCF-style: chr5-82491595-C-T.
Other names: c.322C>T, p.Leu108Phe (NM_001318012.3, NM_001318013.2, NM_022406.5 and 1 more transcripts); short protein forms L108F.
Identifiers: ClinVar variation 1398451 (VCV001398451.5), dbSNP rs2112700693, ClinGen allele CA360358381.

ClinVar aggregate classification (germline): Uncertain significance (1 of 4 stars; one submission).

Submission:

Labcorp Genetics (formerly Invitae), Labcorp
Classification: Uncertain significance. Last evaluated: 2021-12-25. Review status: criteria provided, single submitter. Criteria: Invitae Variant Classification Sherloc (09022015). Collection method: clinical testing. Allele origin: germline.
Comment: This variant has not been reported in the literature in individuals affected with XRCC4-related conditions. This sequence change replaces leucine, which is neutral and non-polar, with phenylalanine, which is neutral and non-polar, at codon 108 of the XRCC4 protein (p.Leu108Phe). This variant is not present in population databases (gnomAD no frequency). Algorithms developed to predict the effect of missense changes on protein structure and function are either unavailable or do not agree on the potential impact of this missense change (SIFT: "Not Available"; PolyPhen-2: "Possibly Damaging"; Align-GVGD: "Not Available"). In summary, the available evidence is currently insufficient to determine the role of this variant in disease. Therefore, it has been classified as a Variant of Uncertain Significance.